The following is an entry in ClinVar:

NM_002474.3(MYH11):c.5448C>G (p.Ile1816Met)

Genes: MYH11 (myosin heavy chain 11; minus strand), NDE1 (nudE neurodevelopment protein 1; plus strand). Cytogenetic location: 16p13.11.
Variant type: single nucleotide variant.
Coding change: c.5448C>G on transcript NM_002474.3 (MANE Select); coding-DNA position 5448, C replaced by G.
Protein change: p.Ile1816Met; replaces isoleucine 1816 with methionine.
Molecular consequence: missense variant. On other transcripts: intron variant (2).
Genome position (GRCh38, 1-based): chr16:15,717,196, G>C on the plus strand (C>G on the coding strand, the complement: MYH11 is on the minus strand). VCF-style: chr16-15717196-G-C. GRCh37 (hg19) VCF-style: chr16-15811053-G-C.
Other names: c.5469C>G, p.Ile1823Met (NM_001040113.2, NM_001040114.2); c.5448C>G, p.Ile1816Met (NM_022844.3); c.948-6995G>C (NM_001143979.2, NM_017668.3); short protein forms I1816M, I1823M.
Identifiers: ClinVar variation 4635415 (VCV004635415.1).

ClinVar aggregate classification (germline): Uncertain significance (1 of 4 stars; one submission).

Conditions:
Familial thoracic aortic aneurysm and aortic dissection (TAAD). Also called: Thoracic aortic aneurysms and dissections. Identifiers: Orphanet 91387, MedGen C4707243, MONDO:0019625.

Submission:

Ambry Genetics
Classification: Uncertain significance for Familial thoracic aortic aneurysm and aortic dissection. Last evaluated: 2025-09-17. Review status: criteria provided, single submitter. Criteria: Ambry Variant Classification Scheme 2023. Collection method: clinical testing. Allele origin: germline.
Comment: The p.I1816M variant (also known as c.5448C>G), located in coding exon 37 of the MYH11 gene, results from a C to G substitution at nucleotide position 5448. The isoleucine at codon 1816 is replaced by methionine, an amino acid with highly similar properties. This amino acid position is conserved. In addition, this alteration is predicted to be tolerated by in silico analysis. Based on the available evidence, the clinical significance of this variant remains unclear.